The following is an entry in ClinVar:

ClinVar aggregate classification (germline): Conflicting classifications of pathogenicity. Review status: criteria provided, conflicting classifications (1 of 4 stars). 8 submissions from 8 submitters: Uncertain significance (4); Benign (2); Likely benign (2). Last evaluated 2026-03-30.

Conditions:
TSC1-related disorder. Also called: TSC1-related condition.
Hereditary cancer-predisposing syndrome. Also called: Tumor predisposition; Hereditary neoplastic syndrome; Neoplastic Syndromes, Hereditary; Hereditary Cancer Syndrome. Identifiers: Orphanet 140162, MedGen C0027672, MeSH D009386, MONDO:0015356.
Tuberous sclerosis syndrome (TSC). Also called: Tuberous Sclerosis Complex; Tuberous sclerosis. Identifiers: Orphanet 805, MedGen C0041341, MONDO:0001734.
Tuberous sclerosis 1 (TSC1). Identifiers: Orphanet 805, MedGen C1854465, MONDO:0008612, OMIM 191100.

Allele frequency attached by ClinVar (database versions not stated): gnomAD exomes below 0.00001; gnomAD 0.00001.
gnomAD v4.1: 2 of 1,613,902 alleles (0.00012%); highest among the groups gnomAD compares: Admixed American, 0.0033%; no homozygotes.

Submissions (8):

Clinical Genomics Laboratory, Washington University in St. Louis
Classification: Uncertain significance for Tuberous sclerosis 1. Last evaluated: 2026-03-30. Review status: criteria provided, single submitter. Criteria: ACMG Guidelines, 2015. Collection method: clinical testing. Allele origin: germline.
Comment: A TSC1 c.1997A>G (p.Lys666Arg) variant was identified at a near heterozygous allelic fraction of 48.0%, a frequency which may be consistent with it being of germline origin. The TSC1 c.1997A>G (p.Lys666Arg) variant, to our knowledge, has not been reported in the medical literature but has been reported in the ClinVar database as a germline variant of uncertain significance by four submitters and likely benign/benign by three submitters (Variation ID: 466056). This variant is only observed on 2/1,613,902 alleles in the general population (gnomAD v4.1.0), indicating it is not a common variant. Computational predictors suggest that the variant does not impact TSC1 function. Due to limited information, and based on ACMG/AMP guidelines for variant interpretation (Richards S et al., PMID: 25741868), the clinical significance of this variant is uncertain at this time.

Labcorp Genetics (formerly Invitae), Labcorp
Classification: Benign for Tuberous sclerosis 1. Last evaluated: 2025-12-13. Review status: criteria provided, single submitter. Criteria: Invitae Variant Classification Sherloc (09022015). Collection method: clinical testing. Allele origin: germline.

Quest Diagnostics Nichols Institute San Juan Capistrano
Classification: Uncertain significance. Last evaluated: 2025-07-04. Review status: criteria provided, single submitter. Criteria: Quest Diagnostics criteria. Collection method: clinical testing. Allele origin: unknown.

PreventionGenetics, part of Exact Sciences
Classification: Likely benign for TSC1-related condition. Last evaluated: 2025-01-21. Review status: criteria provided, single submitter. Criteria: ACMG Guidelines, 2015. Collection method: clinical testing. Allele origin: germline.
Comment: This variant is classified as likely benign based on ACMG/AMP sequence variant interpretation guidelines (Richards et al. 2015 PMID: 25741868, with internal and published modifications).

All of Us Research Program, National Institutes of Health
Classification: Uncertain significance for Tuberous sclerosis syndrome. Last evaluated: 2024-06-11. Review status: criteria provided, single submitter. Criteria: ACMG Guidelines, 2015. Collection method: clinical testing. Allele origin: germline. Inheritance: Autosomal dominant inheritance. Observed: 7 variant alleles, 7 heterozygotes.
Comment: This missense variant replaces lysine with arginine at codon 666 of the TSC1 protein. Computational prediction suggests that this variant may not impact protein structure and function (internally defined REVEL score threshold <= 0.5, PMID: 27666373). To our knowledge, functional studies have not been reported for this variant. This variant has not been reported in individuals affected with TSC1-related disorders in the literature. This variant has been identified in 1/250922 chromosomes in the general population by the Genome Aggregation Database (gnomAD). The available evidence is insufficient to determine the role of this variant in disease conclusively. Therefore, this variant is classified as a Variant of Uncertain Significance.

This study involves interpretation of variants in research participants for the purpose of population health screening. Participant phenotype was not available at the time of variant classification. Additional details can be found in publication PMID: 35346344, PMCID: PMC8962531

Color Diagnostics, LLC DBA Color Health
Classification: Uncertain significance for Tuberous sclerosis syndrome. Last evaluated: 2024-04-24. Review status: criteria provided, single submitter. Criteria: ACMG Guidelines, 2015. Collection method: clinical testing. Allele origin: germline.
Comment: This missense variant replaces lysine with arginine at codon 666 of the TSC1 protein. Computational prediction suggests that this variant may not impact protein structure and function. To our knowledge, functional studies have not been reported for this variant. This variant has not been reported in individuals affected with TSC1-related disorders in the literature. This variant has been identified in 1/250922 chromosomes in the general population by the Genome Aggregation Database (gnomAD). The available evidence is insufficient to determine the role of this variant in disease conclusively. Therefore, this variant is classified as a Variant of Uncertain Significance.

Genome-Nilou Lab
Classification: Benign for Tuberous sclerosis 1. Last evaluated: 2021-11-07. Review status: criteria provided, single submitter. Criteria: ACMG Guidelines, 2015. Collection method: clinical testing. Allele origin: germline. Affected: no.

Ambry Genetics
Classification: Likely benign for Hereditary cancer-predisposing syndrome. Last evaluated: 2019-02-15. Review status: criteria provided, single submitter. Criteria: Ambry Variant Classification Scheme 2023. Collection method: clinical testing. Allele origin: germline.

NM_000368.5(TSC1):c.1997A>G (p.Lys666Arg)

Gene: TSC1 (TSC complex subunit 1; minus strand). Cytogenetic location: 9q34.13.
Variant type: single nucleotide variant.
Coding change: c.1997A>G on transcript NM_000368.5 (MANE Select); coding-DNA position 1997, A replaced by G.
Protein change: p.Lys666Arg; replaces lysine 666 with arginine.
Molecular consequence: missense variant.
Genome position (GRCh38, 1-based): chr9:132,905,581, T>C on the plus strand (A>G on the coding strand, the complement: TSC1 is on the minus strand). VCF-style: chr9-132905581-T-C. GRCh37 (hg19) VCF-style: chr9-135780968-T-C.
Other names: c.1994A>G, p.Lys665Arg (NM_001162426.2); c.1844A>G, p.Lys615Arg (NM_001162427.2); c.1634A>G, p.Lys545Arg (NM_001362177.2); short protein forms K666R, K665R, K615R, K545R.
Identifiers: ClinVar variation 466056 (VCV000466056.26), dbSNP rs1419720341, ClinGen allele CA375362211.